The following is an entry in ClinVar:

ClinVar aggregate classification (germline): Uncertain significance (1 of 4 stars; one submission).

Submission:

Dasa
Classification: Uncertain significance. Last evaluated: 2025-07-20. Review status: criteria provided, single submitter. Criteria: DASA Assertion Criteria. Collection method: clinical testing. Allele origin: germline.
Comment: NM_014413.4(EIF2AK1):c.1300C>T (p.His434Tyr) is a missense variant that results in the substitution of histidine with tyrosine. This variant is absent from population databases. Computational prediction algorithms are consistent with a deleterious effect. The currently available literature and clinical evidence are not sufficient to establish a definitive association between this variant and the reported condition. Therefore, this variant is classified as a variant of uncertain significance.

NM_014413.4(EIF2AK1):c.1300C>T (p.His434Tyr)

Gene: EIF2AK1 (eukaryotic translation initiation factor 2 alpha kinase 1; minus strand). Cytogenetic location: 7p22.1.
Variant type: single nucleotide variant.
Coding change: c.1300C>T on transcript NM_014413.4 (MANE Select); coding-DNA position 1300, C replaced by T.
Protein change: p.His434Tyr; replaces histidine 434 with tyrosine.
Molecular consequence: missense variant.
Genome position (GRCh38, 1-based): chr7:6,037,456, G>A on the plus strand (C>T on the coding strand, the complement: EIF2AK1 is on the minus strand). VCF-style: chr7-6037456-G-A. GRCh37 (hg19) VCF-style: chr7-6077087-G-A.
Other names: c.1297C>T, p.His433Tyr (NM_001134335.2); short protein forms H433Y, H434Y.
Identifiers: ClinVar variation 5020914 (VCV005020914.1).
Genomic context (GRCh38, chr7:6,037,456, plus strand): 5'-TTTCAATGATTTCATCGCCCCCACTTACCTTCAGATCTCGGTGCACAATTCCCATGTTAT[G>A]TATGTAAAACACACCTTCTACCAATTCTTGAAAAATTTTTGTTGCAACATTGGCCATAAC-3'
Protein context (NP_055228.2, residues 424-444): QELVEGVFYI[His434Tyr]NMGIVHRDLK